The following is an entry in ClinVar:

ClinVar aggregate classification (germline): Uncertain significance. Review status: criteria provided, multiple submitters, no conflicts (2 of 4 stars). 2 submissions from 2 submitters: Uncertain significance (2). Last evaluated 2022-08-08.

Conditions:
Inborn genetic diseases. Identifiers: MedGen C0950123, MeSH D030342.
Hereditary spastic paraplegia 11. Also called: Spastic Paraplegia 11; SPASTIC PARAPLEGIA, AUTOSOMAL RECESSIVE, COMPLICATED, WITH THIN CORPUS CALLOSUM; SPASTIC PARAPLEGIA, AUTOSOMAL RECESSIVE, WITH MENTAL IMPAIRMENT AND THIN CORPUS CALLOSUM; Spastic paraplegia, mental retardation and thin corpus callosum; Nakamura Osame syndrome; Autosomal recessive hereditary spastic paraplegia, mental impairment, and thin corpus callosum. Identifiers: Orphanet 2822, MedGen C1858479, MONDO:0011445, OMIM 604360.

Submissions (2):

Ambry Genetics
Classification: Uncertain significance for Inborn genetic diseases. Last evaluated: 2022-08-08. Review status: criteria provided, single submitter. Criteria: Ambry Variant Classification Scheme 2023. Collection method: clinical testing. Allele origin: germline.
Comment: The p.Y111F variant (also known as c.332A>T), located in coding exon 2 of the SPG11 gene, results from an A to T substitution at nucleotide position 332. The tyrosine at codon 111 is replaced by phenylalanine, an amino acid with highly similar properties. This amino acid position is conserved. In addition, this alteration is predicted to be tolerated by in silico analysis. Since supporting evidence is limited at this time, the clinical significance of this alteration remains unclear.

Labcorp Genetics (formerly Invitae), Labcorp
Classification: Uncertain significance for Hereditary spastic paraplegia 11. Last evaluated: 2021-05-31. Review status: criteria provided, single submitter. Criteria: Invitae Variant Classification Sherloc (09022015). Collection method: clinical testing. Allele origin: germline.
Comment: In summary, the available evidence is currently insufficient to determine the role of this variant in disease. Therefore, it has been classified as a Variant of Uncertain Significance. Algorithms developed to predict the effect of missense changes on protein structure and function (SIFT, PolyPhen-2, Align-GVGD) all suggest that this variant is likely to be tolerated, but these predictions have not been confirmed by published functional studies and their clinical significance is uncertain. This variant has not been reported in the literature in individuals with SPG11-related conditions. This variant is not present in population databases (ExAC no frequency). This sequence change replaces tyrosine with phenylalanine at codon 111 of the SPG11 protein (p.Tyr111Phe). The tyrosine residue is moderately conserved and there is a small physicochemical difference between tyrosine and phenylalanine.

NM_025137.4(SPG11):c.332A>T (p.Tyr111Phe)

Gene: SPG11 (SPG11 vesicle trafficking associated, spatacsin; minus strand). Cytogenetic location: 15q21.1.
Variant type: single nucleotide variant.
Coding change: c.332A>T on transcript NM_025137.4 (MANE Select); coding-DNA position 332, A replaced by T.
Protein change: p.Tyr111Phe; replaces tyrosine 111 with phenylalanine.
Molecular consequence: missense variant.
Genome position (GRCh38, 1-based): chr15:44,660,542, T>A on the plus strand (A>T on the coding strand, the complement: SPG11 is on the minus strand). VCF-style: chr15-44660542-T-A. GRCh37 (hg19) VCF-style: chr15-44952740-T-A.
Other names: c.332A>T, p.Tyr111Phe (NM_001160227.2); short protein forms Y111F.
Identifiers: ClinVar variation 1053506 (VCV001053506.11), dbSNP rs2141130065, ClinGen allele CA392238309.